The following is an entry in ClinVar:

NM_001378964.1(CDON):c.3357-2A>G

Gene: CDON (cell adhesion associated, oncogene regulated; minus strand). Cytogenetic location: 11q24.2.
Variant type: single nucleotide variant.
Coding change: c.3357-2A>G on transcript NM_001378964.1 (MANE Select); the canonical splice acceptor site of the intron before coding-DNA position 3357, A replaced by G.
Molecular consequence: splice acceptor variant.
Genome position (GRCh38, 1-based): chr11:125,962,000, T>C on the plus strand (A>G on the coding strand, the complement: CDON is on the minus strand). VCF-style: chr11-125962000-T-C. GRCh37 (hg19) VCF-style: chr11-125831895-T-C.
Other names: c.3357-2A>G (NM_001441166.1, NM_016952.6, NM_001243597.3 and 5 more transcripts).
Identifiers: ClinVar variation 2093628 (VCV002093628.4), dbSNP rs2496878792, ClinGen allele CA383213685.
Genomic context (GRCh38, chr11:125,962,000, plus strand): 5'-CCACAGGGACCACAGGAGGAGGGCTGCTGCTGAAAGTGCTGTTGGTTTTGGTGAAACACC[T>C]GCAGAGGTTAAACCAAAAGAAACAGAATTGTGTCTAGAGGAACCAATAATTAAAATAAGC-3'

ClinVar aggregate classification (germline): Uncertain significance (1 of 4 stars; one submission).

Conditions:
Holoprosencephaly 11 (HPE11). Identifiers: Orphanet 2162, MedGen C3280215, MONDO:0013642, OMIM 614226.

Submission:

Labcorp Genetics (formerly Invitae), Labcorp
Classification: Uncertain significance for Holoprosencephaly 11. Last evaluated: 2022-06-25. Review status: criteria provided, single submitter. Criteria: Invitae Variant Classification Sherloc (09022015). Collection method: clinical testing. Allele origin: germline.
Comment: This sequence change affects an acceptor splice site in intron 18 of the CDON gene. It is expected to disrupt RNA splicing. Variants that disrupt the donor or acceptor splice site typically lead to a loss of protein function (PMID: 16199547), however the current clinical and genetic evidence is not sufficient to establish whether loss-of-function variants in CDON cause disease. In summary, the available evidence is currently insufficient to determine the role of this variant in disease. Therefore, it has been classified as a Variant of Uncertain Significance. Algorithms developed to predict the effect of sequence changes on RNA splicing suggest that this variant may disrupt the consensus splice site. This variant has not been reported in the literature in individuals affected with CDON-related conditions. This variant is not present in population databases (gnomAD no frequency).

Literature cited by the submitters: PubMed 16199547.